The following is an entry in ClinVar:

ClinVar aggregate classification (germline): Uncertain significance (0 of 4 stars; one submission).

Conditions:
POMT2-related disorder. Also called: POMT2-related condition.

gnomAD v4.1: 2 of 1,614,152 alleles (0.00012%); highest among the groups gnomAD compares: South Asian, 0.0011%; no homozygotes.

Submission:

PreventionGenetics, part of Exact Sciences
Classification: Uncertain significance for POMT2-related condition. Last evaluated: 2024-03-24. Review status: no assertion criteria provided. Collection method: clinical testing. Allele origin: germline.
Comment: The POMT2 c.1682A>G variant is predicted to result in the amino acid substitution p.Asn561Ser. To our knowledge, this variant has not been reported in the literature or in a large population database, indicating this variant is rare. At this time, the clinical significance of this variant is uncertain due to the absence of conclusive functional and genetic evidence.

NM_013382.7(POMT2):c.1682A>G (p.Asn561Ser)

Gene: POMT2 (protein O-mannosyltransferase 2; minus strand). Cytogenetic location: 14q24.3.
Variant type: single nucleotide variant.
Coding change: c.1682A>G on transcript NM_013382.7 (MANE Select); coding-DNA position 1682, A replaced by G.
Protein change: p.Asn561Ser; replaces asparagine 561 with serine.
Molecular consequence: missense variant.
Genome position (GRCh38, 1-based): chr14:77,280,435, T>C on the plus strand (A>G on the coding strand, the complement: POMT2 is on the minus strand). VCF-style: chr14-77280435-T-C. GRCh37 (hg19) VCF-style: chr14-77746778-T-C.
Other names: short protein forms N561S.
Identifiers: ClinVar variation 3356434 (VCV003356434.1).